The following is an entry in ClinVar:

NM_001004356.3(FGFRL1):c.415C>A (p.Pro139Thr)

Gene: FGFRL1 (fibroblast growth factor receptor like 1; plus strand). Cytogenetic location: 4p16.3.
Variant type: single nucleotide variant.
Coding change: c.415C>A on transcript NM_001004356.3 (MANE Select); coding-DNA position 415, C replaced by A.
Protein change: p.Pro139Thr; replaces proline 139 with threonine.
Molecular consequence: missense variant.
Genome position (GRCh38, 1-based): chr4:1,023,703, C>A. VCF-style: chr4-1023703-C-A. GRCh37 (hg19) VCF-style: chr4-1017491-C-A.
Other names: c.415C>A (NM_001004356.2); c.415C>A, p.Pro139Thr (NM_001370296.1, NM_021923.3, NM_001004358.1); short protein forms P139T.
Identifiers: ClinVar variation 2723441 (VCV002723441.4), dbSNP rs751619106, ClinGen allele CA2802701.

ClinVar aggregate classification (germline): Uncertain significance. Review status: criteria provided, multiple submitters, no conflicts (2 of 4 stars). 2 submissions from 2 submitters: Uncertain significance (2). Last evaluated 2024-01-09.

Allele frequency attached by ClinVar (database versions not stated): TOPMed 0.00002; ExAC 0.00006.
gnomAD v4.1: 10 of 1,591,880 alleles (0.00063%); highest among the groups gnomAD compares: East Asian, 0.02%; no homozygotes.

Submissions (2):

Ambry Genetics
Classification: Uncertain significance. Last evaluated: 2024-01-09. Review status: criteria provided, single submitter. Criteria: Ambry Variant Classification Scheme 2023. Collection method: clinical testing. Allele origin: germline.

Labcorp Genetics (formerly Invitae), Labcorp
Classification: Uncertain significance. Last evaluated: 2023-11-27. Review status: criteria provided, single submitter. Criteria: Invitae Variant Classification Sherloc (09022015). Collection method: clinical testing. Allele origin: germline.
Comment: This sequence change replaces proline, which is neutral and non-polar, with threonine, which is neutral and polar, at codon 139 of the FGFRL1 protein (p.Pro139Thr). This variant is present in population databases (rs751619106, gnomAD 0.06%). This variant has not been reported in the literature in individuals affected with FGFRL1-related conditions. An algorithm developed to predict the effect of missense changes on protein structure and function (PolyPhen-2) suggests that this variant is likely to be tolerated. In summary, the available evidence is currently insufficient to determine the role of this variant in disease. Therefore, it has been classified as a Variant of Uncertain Significance.